The following is an entry in ClinVar:

NM_025114.4(CEP290):c.5256G>A (p.Arg1752=)

Gene: CEP290 (centrosomal protein 290; minus strand). Cytogenetic location: 12q21.32.
Variant type: single nucleotide variant.
Coding change: c.5256G>A on transcript NM_025114.4 (MANE Select); coding-DNA position 5256, G replaced by A.
Protein change: p.Arg1752=; no amino-acid change (arginine 1752 retained).
Molecular consequence: synonymous variant.
Genome position (GRCh38, 1-based): chr12:88,079,200, C>T on the plus strand (G>A on the coding strand, the complement: CEP290 is on the minus strand). VCF-style: chr12-88079200-C-T. GRCh37 (hg19) VCF-style: chr12-88472977-C-T.
Identifiers: ClinVar variation 695834 (VCV000695834.13), dbSNP rs754590700, ClinGen allele CA6711748.

ClinVar aggregate classification (germline): Likely benign. Review status: criteria provided, multiple submitters, no conflicts (2 of 4 stars). 3 submissions from 3 submitters: Likely benign (2). 1 of the submissions does not count toward it. Last evaluated 2026-01-22.

Conditions:
CEP290-related disorder. Also called: CEP290-related disorders; CEP290-related condition. Identifiers: MedGen CN239314.
Joubert syndrome. Also called: Familial aplasia of the vermis; JOUBERT-BOLTSHAUSER SYNDROME. Identifiers: Orphanet 475, MedGen C5979921, MONDO:0018772.
Nephronophthisis. Also called: Juvenile Nephronophthisis. Identifiers: Orphanet 655, MedGen C0687120, MONDO:0019005, HP:0000090.
Meckel-Gruber syndrome. Also called: DYSENCEPHALIA SPLANCHNOCYSTICA; GRUBER SYNDROME; Dysencephalia splachnocystica. Identifiers: Orphanet 564, MedGen C0265215, MONDO:0018921.

Allele frequency attached by ClinVar (database versions not stated): gnomAD 0.00002 and 0.00001; gnomAD exomes 0.00002 and 0.00004; ExAC 0.00001; TOPMed 0.00001; 1000 Genomes Project 30x 0.00016.

Submissions (3):

Labcorp Genetics (formerly Invitae), Labcorp
Classification: Likely benign for Joubert syndrome; Meckel-Gruber syndrome; Nephronophthisis. Last evaluated: 2026-01-22. Review status: criteria provided, single submitter. Criteria: Invitae Variant Classification Sherloc (09022015). Collection method: clinical testing. Allele origin: germline.

Blueprint Genetics
Classification: Likely benign. Last evaluated: 2022-11-08. Review status: criteria provided, single submitter. Criteria: ACMG Guidelines, 2015. Collection method: clinical testing. Allele origin: germline.

PreventionGenetics, part of Exact Sciences
Classification: Likely benign for CEP290-related condition. Last evaluated: 2019-09-06. Review status: no assertion criteria provided. Collection method: clinical testing. Allele origin: germline. Not counted in ClinVar's aggregate classification.
Comment: This variant is classified as likely benign based on ACMG/AMP sequence variant interpretation guidelines (Richards et al. 2015 PMID: 25741868, with internal and published modifications).